The following is an entry in ClinVar:

NM_001367624.2(ZNF469):c.5955G>C (p.Leu1985Phe)

Gene: ZNF469 (zinc finger protein 469; plus strand). Cytogenetic location: 16q24.2.
Variant type: single nucleotide variant.
Coding change: c.5955G>C on transcript NM_001367624.2 (MANE Select); coding-DNA position 5955, G replaced by C.
Protein change: p.Leu1985Phe; replaces leucine 1985 with phenylalanine.
Molecular consequence: missense variant.
Genome position (GRCh38, 1-based): chr16:88,433,425, G>C. VCF-style: chr16-88433425-G-C. GRCh37 (hg19) VCF-style: chr16-88499833-G-C.
Other names: NM_001127464.1:c.5871G>C; short protein forms L1985F.
Identifiers: ClinVar variation 1750201 (VCV001750201.2), dbSNP rs2507592060, ClinGen allele CA397103318.

ClinVar aggregate classification (germline): Uncertain significance (1 of 4 stars; one submission).

Conditions:
Cardiovascular phenotype. Identifiers: MedGen CN230736.

Submission:

Ambry Genetics
Classification: Uncertain significance for Cardiovascular phenotype. Last evaluated: 2020-09-16. Review status: criteria provided, single submitter. Criteria: Ambry Variant Classification Scheme 2023. Collection method: clinical testing. Allele origin: germline.
Comment: The p.L1957F variant (also known as c.5871G>C), located in coding exon 2 of the ZNF469 gene, results from a G to C substitution at nucleotide position 5871. The leucine at codon 1957 is replaced by phenylalanine, an amino acid with highly similar properties. This amino acid position is poorly conserved in available vertebrate species. In addition, this alteration is predicted to be tolerated by in silico analysis. Since supporting evidence is limited at this time, the clinical significance of this alteration remains unclear.